The following is an entry in ClinVar:

NM_018451.5(CPAP):c.3539_3542del (p.Glu1180fs)

Genes: CPAP (centrosome assembly and centriole elongation protein; minus strand), RNF17 (ring finger protein 17; plus strand). Cytogenetic location: 13q12.12.
Variant type: Deletion.
Coding change: c.3539_3542del on transcript NM_018451.5 (MANE Select); coding-DNA positions 3539 to 3542, 4 bases deleted (AAGT; older notation c.3539_3542delAAGT).
Protein change: p.Glu1180fs; shifts the reading frame from glutamic acid 1180.
Molecular consequence: frameshift variant. On other transcripts: non-coding transcript variant (2).
Genome position (GRCh38, 1-based): chr13:24,884,399-24,884,402, ACTT deleted on the plus strand (AAGT on the coding strand, the reverse complement: CPAP is on the minus strand). VCF-style (leftmost placement, unchanged base first): chr13-24884398-CACTT-C. GRCh37 (hg19) VCF-style: chr13-25458536-CACTT-C.
Other names: short protein forms E1180fs.
Identifiers: ClinVar variation 1355246 (VCV001355246.6), dbSNP rs1953949496, ClinGen allele CA2079394779.

ClinVar aggregate classification (germline): Pathogenic (1 of 4 stars; one submission).

Allele frequency attached by ClinVar (database versions not stated): TOPMed below 0.00001.

Submission:

Labcorp Genetics (formerly Invitae), Labcorp
Classification: Pathogenic. Last evaluated: 2022-11-08. Review status: criteria provided, single submitter. Criteria: Invitae Variant Classification Sherloc (09022015). Collection method: clinical testing. Allele origin: germline.
Comment: For these reasons, this variant has been classified as Pathogenic. ClinVar contains an entry for this variant (Variation ID: 1355246). This variant has not been reported in the literature in individuals affected with CENPJ-related conditions. This variant is not present in population databases (gnomAD no frequency). This sequence change creates a premature translational stop signal (p.Glu1180Glyfs*17) in the CENPJ gene. It is expected to result in an absent or disrupted protein product. Loss-of-function variants in CENPJ are known to be pathogenic (PMID: 15793586, 16900296, 20522431).

Literature cited by the submitters: PubMed 15793586; PubMed 16900296; PubMed 20522431.